The following is an entry in ClinVar:

ClinVar aggregate classification (germline): Likely benign. Review status: criteria provided, multiple submitters, no conflicts (2 of 4 stars). 4 submissions from 4 submitters: Likely benign (3). 1 of the submissions does not count toward it. Last evaluated 2024-02-06.

Conditions:
IMPG1-related disorder. Also called: IMPG1-related condition.

Allele frequency attached by ClinVar (database versions not stated): gnomAD exomes 0.00001; TOPMed 0.00001.
gnomAD v4.1: 11 of 1,614,038 alleles (0.00068%); highest among the groups gnomAD compares: South Asian, 0.0044%; no homozygotes.

Submissions (4):

Labcorp Genetics (formerly Invitae), Labcorp
Classification: Likely benign. Last evaluated: 2024-02-06. Review status: criteria provided, single submitter. Criteria: Invitae Variant Classification Sherloc (09022015). Collection method: clinical testing. Allele origin: germline.

Ambry Genetics
Classification: Likely benign. Last evaluated: 2023-11-18. Review status: criteria provided, single submitter. Criteria: Ambry Variant Classification Scheme 2023. Collection method: clinical testing. Allele origin: germline.

Blueprint Genetics
Classification: Likely benign. Last evaluated: 2021-07-12. Review status: criteria provided, single submitter. Criteria: ACMG Guidelines, 2015. Collection method: clinical testing. Allele origin: germline.

PreventionGenetics, part of Exact Sciences
Classification: Likely benign for IMPG1-related condition. Last evaluated: 2019-03-12. Review status: no assertion criteria provided. Collection method: clinical testing. Allele origin: germline. Not counted in ClinVar's aggregate classification.
Comment: This variant is classified as likely benign based on ACMG/AMP sequence variant interpretation guidelines (Richards et al. 2015 PMID: 25741868, with internal and published modifications).

NM_001563.4(IMPG1):c.2169C>T (p.Asp723=)

Gene: IMPG1 (interphotoreceptor matrix proteoglycan 1; minus strand). Cytogenetic location: 6q14.1.
Variant type: single nucleotide variant.
Coding change: c.2169C>T on transcript NM_001563.4 (MANE Select); coding-DNA position 2169, C replaced by T.
Protein change: p.Asp723=; no amino-acid change (aspartic acid 723 retained).
Molecular consequence: synonymous variant.
Genome position (GRCh38, 1-based): chr6:75,931,027, G>A on the plus strand (C>T on the coding strand, the complement: IMPG1 is on the minus strand). VCF-style: chr6-75931027-G-A. GRCh37 (hg19) VCF-style: chr6-76640744-G-A.
Other names: c.2169C>T (NM_001563.2); c.1935C>T, p.Asp645= (NM_001282368.2).
Identifiers: ClinVar variation 3058808 (VCV003058808.6), dbSNP rs370665501, ClinGen allele CA141071172.